The following is an entry in ClinVar:

NM_006118.4(HAX1):c.628A>G (p.Ser210Gly)

Gene: HAX1 (HCLS1 associated protein X-1; plus strand). Cytogenetic location: 1q21.3.
Variant type: single nucleotide variant.
Coding change: c.628A>G on transcript NM_006118.4 (MANE Select); coding-DNA position 628, A replaced by G.
Protein change: p.Ser210Gly; replaces serine 210 with glycine.
Molecular consequence: missense variant.
Genome position (GRCh38, 1-based): chr1:154,275,225, A>G. VCF-style: chr1-154275225-A-G. GRCh37 (hg19) VCF-style: chr1-154247701-A-G.
Other names: c.484A>G, p.Ser162Gly (NM_001018837.2); short protein forms S162G, S210G.
Identifiers: ClinVar variation 3524091 (VCV003524091.1).

ClinVar aggregate classification (germline): Uncertain significance (1 of 4 stars; one submission).

Conditions:
Inborn genetic diseases. Identifiers: MedGen C0950123, MeSH D030342.

Submission:

Ambry Genetics
Classification: Uncertain significance for Inborn genetic diseases. Last evaluated: 2024-11-28. Review status: criteria provided, single submitter. Criteria: Ambry Variant Classification Scheme 2023. Collection method: clinical testing. Allele origin: germline.
Comment: The p.S210G variant (also known as c.628A>G), located in coding exon 5 of the HAX1 gene, results from an A to G substitution at nucleotide position 628. The serine at codon 210 is replaced by glycine, an amino acid with similar properties. This amino acid position is conserved. In addition, this alteration is predicted to be deleterious by in silico analysis. Based on the available evidence, the clinical significance of this variant remains unclear.